The following is an entry in ClinVar:

ClinVar aggregate classification (germline): Uncertain significance (1 of 4 stars; one submission).

Conditions:
Autosomal recessive early-onset Parkinson disease 7. Identifiers: Orphanet 2828, MedGen C1853445, MONDO:0011658, OMIM 606324.

Submission:

Labcorp Genetics (formerly Invitae), Labcorp
Classification: Uncertain significance for Autosomal recessive early-onset Parkinson disease 7. Last evaluated: 2018-11-27. Review status: criteria provided, single submitter. Criteria: Invitae Variant Classification Sherloc (09022015). Collection method: clinical testing. Allele origin: germline.
Comment: This variant results in a copy number gain of the genomic region encompassing exons 2-5 of the PARK7 gene. The 5' end of this event is unknown as it extends beyond the assayed region for this gene and therefore may encompass additional genes. The 3' boundary is likely confined to intron 5 of the PARK7 gene. As the precise location of this event is unknown, it may be in tandem or it may be located elsewhere in the genome. This variant has not been reported in the literature in individuals with PARK7-related conditions. In summary, the available evidence is currently insufficient to determine the role of this variant in disease. Therefore, it has been classified as a Variant of Uncertain Significance.

NC_000001.10:g.(?_8022836)_(8031035_?)dup

Gene: PARK7 (Parkinsonism associated deglycase; plus strand). Cytogenetic location: 1p36.23.
Variant type: Duplication.
Identifiers: ClinVar variation 650723 (VCV000650723.2).